The following is an entry in ClinVar:

NM_001267550.2(TTN):c.107429C>T (p.Thr35810Ile)

Genes: TTN-AS1 (TTN antisense RNA 1; plus strand), TTN (titin; minus strand). Cytogenetic location: 2q31.2.
Variant type: single nucleotide variant.
Coding change: c.107429C>T on transcript NM_001267550.2 (MANE Select); coding-DNA position 107429, C replaced by T.
Protein change: p.Thr35810Ile; replaces threonine 35810 with isoleucine.
Molecular consequence: missense variant.
Genome position (GRCh38, 1-based): chr2:178,527,697, G>A on the plus strand (C>T on the coding strand, the complement: TTN is on the minus strand). VCF-style: chr2-178527697-G-A. GRCh37 (hg19) VCF-style: chr2-179392424-G-A.
Other names: c.102506C>T, p.Thr34169Ile (NM_001256850.1); c.80234C>T, p.Thr26745Ile (NM_003319.4); c.99725C>T, p.Thr33242Ile (NM_133378.4); c.80609C>T, p.Thr26870Ile (NM_133432.3); c.80810C>T, p.Thr26937Ile (NM_133437.4); short protein forms T26745I, T33242I, T34169I, T35810I, T26870I, T26937I.
Identifiers: ClinVar variation 2936972 (VCV002936972.1), dbSNP rs780702569, ClinGen allele CA1984938.

ClinVar aggregate classification (germline): Uncertain significance (1 of 4 stars; one submission).

Conditions:
Dilated cardiomyopathy 1G (CMD1G). Identifiers: Orphanet 154, MedGen C1858763, MONDO:0011400, OMIM 604145.
Autosomal recessive limb-girdle muscular dystrophy type 2J (LGMDR10). Also called: Limb-girdle muscular dystrophy, type 2J; MUSCULAR DYSTROPHY, LIMB-GIRDLE, AUTOSOMAL RECESSIVE 10. Identifiers: Orphanet 140922, MedGen C1837342, MONDO:0012127, OMIM 608807.

Allele frequency attached by ClinVar (database versions not stated): gnomAD exomes below 0.00001; ExAC 0.00001; gnomAD 0.00001; TOPMed 0.00001.
gnomAD v4.1: 3 of 1,612,860 alleles (0.00019%); highest among the groups gnomAD compares: African/African-American, 0.0027%; no homozygotes.

Submission:

Labcorp Genetics (formerly Invitae), Labcorp
Classification: Uncertain significance for Dilated cardiomyopathy 1G; Autosomal recessive limb-girdle muscular dystrophy type 2J. Last evaluated: 2022-11-19. Review status: criteria provided, single submitter. Criteria: Invitae Variant Classification Sherloc (09022015). Collection method: clinical testing. Allele origin: germline.
Comment: This variant is located in the M band of TTN (PMID: 25589632). Variants in this region may be relevant for neuromuscular disorders, but have not been definitively shown to cause cardiomyopathy (PMID: 23975875). In summary, the available evidence is currently insufficient to determine the role of this variant in disease. Therefore, it has been classified as a Variant of Uncertain Significance. Experimental studies and prediction algorithms are not available or were not evaluated, and the functional significance of this variant is currently unknown. This variant has not been reported in the literature in individuals affected with TTN-related conditions. This variant is present in population databases (rs780702569, gnomAD 0.007%). This sequence change replaces threonine, which is neutral and polar, with isoleucine, which is neutral and non-polar, at codon 35810 of the TTN protein (p.Thr35810Ile).

Literature cited by the submitters: PubMed 25589632; PubMed 23975875.